The following is an entry in ClinVar:

NM_000202.8(IDS):c.1565T>C (p.Leu522Pro)

Gene: IDS (iduronate 2-sulfatase; minus strand). Cytogenetic location: Xq28.
Variant type: single nucleotide variant.
Coding change: c.1565T>C on transcript NM_000202.8 (MANE Select); coding-DNA position 1565, T replaced by C.
Protein change: p.Leu522Pro; replaces leucine 522 with proline.
Molecular consequence: missense variant.
Genome position (GRCh38, 1-based): chrX:149,482,834, A>G on the plus strand (T>C on the coding strand, the complement: IDS is on the minus strand). VCF-style: chrX-149482834-A-G. GRCh37 (hg19) VCF-style: chrX-148564365-A-G.
Other names: c.1295T>C, p.Leu432Pro (NM_001166550.4); short protein forms L432P, L522P.
Identifiers: ClinVar variation 3256085 (VCV003256085.2).

ClinVar aggregate classification (germline): Likely pathogenic (1 of 4 stars; one submission).

Conditions:
Mucopolysaccharidosis, MPS-II (MPS2). Also called: Hunter Syndrome; IDURONATE 2-SULFATASE DEFICIENCY; Mucopolysaccharidosis Type II; Mucopolysaccharidosis type 2; Attenuated MPS (subtype; formerly known as mild MPS II); Severe MPS II. Identifiers: Orphanet 580, Orphanet 79388, MedGen C0026705, MONDO:0010674, OMIM 309900.

Submission:

Laboratory of Diagnosis and Therapy of Lysosomal Disorders, University of Padova
Classification: Likely pathogenic for Mucopolysaccharidosis, MPS-II. Last evaluated: 2024-06-07. Review status: criteria provided, single submitter. Criteria: ACMG Guidelines, 2015. Collection method: literature only. Allele origin: germline. Affected: yes. Observed: 4 variant alleles.
Comment: Absent from controls (or at low frequency) in gnomAD database (PM2_Moderate), Missense variant in a gene with a low rate of benign missense variation (PP2_Supporting), Multiple lines of computational evidence support a deleterious effect (PP3_Supporting), Patient’s phenotype or family history highly specific for the disease (PP4_Strong)

Classification method: ACMG Guidelines [PMID:25741868] with modifications

Literature cited by the submitters: PubMed 35005816; PubMed 33676511; PubMed 21291454.